The following is an entry in ClinVar:

ClinVar aggregate classification (germline): Uncertain significance (1 of 4 stars; one submission).

Conditions:
Inborn genetic diseases. Identifiers: MedGen C0950123, MeSH D030342.

Allele frequency attached by ClinVar (database versions not stated): gnomAD exomes 0.00001.
gnomAD v4.1: 12 of 1,614,018 alleles (0.00074%); highest among the groups gnomAD compares: Non-Finnish European, 0.001%; no homozygotes.

Submission:

Ambry Genetics
Classification: Uncertain significance for Inborn genetic diseases. Last evaluated: 2024-02-28. Review status: criteria provided, single submitter. Criteria: Ambry Variant Classification Scheme 2023. Collection method: clinical testing. Allele origin: germline.
Comment: The p.R555Q variant (also known as c.1664G>A), located in coding exon 14 of the BUB1B gene, results from a G to A substitution at nucleotide position 1664. The arginine at codon 555 is replaced by glutamine, an amino acid with highly similar properties. This amino acid position is conserved. In addition, this alteration is predicted to be tolerated by in silico analysis. Since supporting evidence is limited at this time, the clinical significance of this alteration remains unclear.

NM_001211.6(BUB1B):c.1664G>A (p.Arg555Gln)

Gene: BUB1B (BUB1 mitotic checkpoint serine/threonine kinase B; plus strand). Cytogenetic location: 15q15.1.
Variant type: single nucleotide variant.
Coding change: c.1664G>A on transcript NM_001211.6 (MANE Select); coding-DNA position 1664, G replaced by A.
Protein change: p.Arg555Gln; replaces arginine 555 with glutamine.
Molecular consequence: missense variant.
Genome position (GRCh38, 1-based): chr15:40,202,624, G>A. VCF-style: chr15-40202624-G-A. GRCh37 (hg19) VCF-style: chr15-40494825-G-A.
Other names: short protein forms R555Q.
Identifiers: ClinVar variation 1777550 (VCV001777550.2), dbSNP rs2037587746, ClinGen allele CA391691602.